The following is an entry in ClinVar:

ClinVar aggregate classification (germline): Conflicting classifications of pathogenicity. Review status: criteria provided, conflicting classifications (1 of 4 stars). 5 submissions from 5 submitters: Uncertain significance (3); Benign (1). 1 of the submissions does not count toward it. Last evaluated 2026-01-11.

Conditions:
Nemaline myopathy 2 (NEM2). Also called: Nemaline myopathy 2, autosomal recessive. Identifiers: MedGen C1850569, MONDO:0009725, OMIM 256030.

Allele frequency attached by ClinVar (database versions not stated): ExAC 0.00005; gnomAD 0.00005 and 0.00006; TOPMed 0.00006.
gnomAD v4.1: 121 of 1,551,010 alleles (0.0078%); highest among the groups gnomAD compares: Non-Finnish European, 0.0099%; no homozygotes.

Submissions (5):

Labcorp Genetics (formerly Invitae), Labcorp
Classification: Benign for Nemaline myopathy 2. Last evaluated: 2026-01-11. Review status: criteria provided, single submitter. Criteria: Invitae Variant Classification Sherloc (09022015). Collection method: clinical testing. Allele origin: germline.

Revvity Omics, Revvity
Classification: Uncertain significance. Last evaluated: 2025-02-24. Review status: criteria provided, single submitter. Criteria: ACMG Guidelines, 2015. Collection method: clinical testing. Allele origin: germline.

Blueprint Genetics
Classification: Uncertain significance. Last evaluated: 2024-10-09. Review status: criteria provided, single submitter. Criteria: ACMG Guidelines, 2015. Collection method: clinical testing. Allele origin: germline.

GeneDx
Classification: Uncertain significance. Last evaluated: 2017-06-05. Review status: criteria provided, single submitter. Criteria: GeneDx Variant Classification (06012015). Collection method: clinical testing. Allele origin: germline. Affected: yes.
Comment: A variant of uncertain significance has been identified in the NEB gene. The M7148V variant has not been published as a pathogenic variant, nor has it been reported as a benign variant to our knowledge. The M7148V variant is not observed at a significant frequency in large population cohorts (Lek et al., 2016; 1000 Genomes Consortium et al., 2015; Exome Variant Server). This substitution occurs at a position that is conserved in mammals. However, the M7148V variant is a conservative amino acid substitution, which is not likely to impact secondary protein structure as these residues share similar properties. In silico analysis is inconsistent in its predictions as to whether or not the variant is damaging to the protein structure/function. Therefore, based on the currently available information, it is unclear whether this variant is a pathogenic variant or a rare benign variant.

Natera, Inc.
Classification: Uncertain significance for Nemaline myopathy type 2. Last evaluated: 2020-02-21. Review status: no assertion criteria provided. Collection method: clinical testing. Allele origin: germline. Not counted in ClinVar's aggregate classification.

NM_001164508.2(NEB):c.21337A>G (p.Met7113Val)

Genes: NEB (nebulin; minus strand), RIF1 (replication timing regulatory factor 1; plus strand). Cytogenetic location: 2q23.3.
Variant type: single nucleotide variant.
Coding change: c.21337A>G on transcript NM_001164508.2 (MANE Select); coding-DNA position 21337, A replaced by G.
Protein change: p.Met7113Val; replaces methionine 7113 with valine.
Molecular consequence: missense variant. On other transcripts: intron variant (2).
Genome position (GRCh38, 1-based): chr2:151,533,522, T>C on the plus strand (A>G on the coding strand, the complement: NEB is on the minus strand). VCF-style: chr2-151533522-T-C. GRCh37 (hg19) VCF-style: chr2-152390036-T-C.
Other names: c.21442A>G, p.Met7148Val (NM_001271208.2); c.16314+693A>G (NM_004543.5); c.21417+693A>G (NM_001164507.2); short protein forms M7148V, M7113V.
Identifiers: ClinVar variation 432404 (VCV000432404.13), dbSNP rs750039342, ClinGen allele CA1906984.